The following is an entry in ClinVar:

ClinVar aggregate classification (germline): Uncertain significance (1 of 4 stars; one submission).

Conditions:
CHARGE syndrome (CHARGE). Also called: Hittner Hirsch Kreh syndrome; CHARGE ASSOCIATION--COLOBOMA, HEART ANOMALY, CHOANAL ATRESIA, RETARDATION, GENITAL AND EAR ANOMALIES; Coloboma, heart anomaly, choanal atresia, retardation, genital and ear anomalies; CHARGE association; Hall-Hittner syndrome. Identifiers: Orphanet 138, MedGen C0265354, MONDO:0008965.

gnomAD v4.1: 2 of 1,614,014 alleles (0.00012%); highest among the groups gnomAD compares: East Asian, 0.0045%; no homozygotes.

Submission:

Labcorp Genetics (formerly Invitae), Labcorp
Classification: Uncertain significance for CHARGE syndrome. Last evaluated: 2021-02-25. Review status: criteria provided, single submitter. Criteria: Invitae Variant Classification Sherloc (09022015). Collection method: clinical testing. Allele origin: germline.
Comment: In summary, the available evidence is currently insufficient to determine the role of this variant in disease. Therefore, it has been classified as a Variant of Uncertain Significance. Advanced modeling of protein sequence and biophysical properties (such as structural, functional, and spatial information, amino acid conservation, physicochemical variation, residue mobility, and thermodynamic stability) performed at Invitae indicates that this missense variant is not expected to disrupt CHD7 protein function. This variant has not been reported in the literature in individuals with CHD7-related conditions. This variant is not present in population databases (ExAC no frequency). This sequence change replaces glutamine with lysine at codon 379 of the CHD7 protein (p.Gln379Lys). The glutamine residue is highly conserved and there is a small physicochemical difference between glutamine and lysine.

NM_017780.4(CHD7):c.1135C>A (p.Gln379Lys)

Gene: CHD7 (chromodomain helicase DNA binding protein 7; plus strand). Cytogenetic location: 8q12.2.
Variant type: single nucleotide variant.
Coding change: c.1135C>A on transcript NM_017780.4 (MANE Select); coding-DNA position 1135, C replaced by A.
Protein change: p.Gln379Lys; replaces glutamine 379 with lysine.
Molecular consequence: missense variant.
Genome position (GRCh38, 1-based): chr8:60,742,567, C>A. VCF-style: chr8-60742567-C-A. GRCh37 (hg19) VCF-style: chr8-61655126-C-A.
Other names: c.1135C>A, p.Gln379Lys (NM_001316690.1); short protein forms Q379K.
Identifiers: ClinVar variation 1383181 (VCV001383181.8), dbSNP rs2150580201, ClinGen allele CA371301527.